The following is an entry in ClinVar:

ClinVar aggregate classification (germline): Uncertain significance (1 of 4 stars; one submission).

Conditions:
Hereditary hyperekplexia. Identifiers: Orphanet 3197, MedGen C4084968, MONDO:0021022.

Allele frequency attached by ClinVar (database versions not stated): gnomAD exomes below 0.00001; TOPMed 0.00001; gnomAD 0.00006; ESP Exome Variant Server 0.00008.
gnomAD v4.1: 7 of 1,613,860 alleles (0.00043%); highest among the groups gnomAD compares: African/African-American, 0.008%; no homozygotes.

Submission:

Labcorp Genetics (formerly Invitae), Labcorp
Classification: Uncertain significance for Hereditary hyperekplexia. Last evaluated: 2025-10-26. Review status: criteria provided, single submitter. Criteria: Invitae Variant Classification Sherloc (09022015). Collection method: clinical testing. Allele origin: germline.
Comment: This sequence change replaces arginine, which is basic and polar, with serine, which is neutral and polar, at codon 30 of the GLRA1 protein (p.Arg30Ser). This variant is present in population databases (rs369873008, gnomAD 0.02%). This variant has not been reported in the literature in individuals affected with GLRA1-related conditions. ClinVar contains an entry for this variant (Variation ID: 573990). Invitae Evidence Modeling of protein sequence and biophysical properties (such as structural, functional, and spatial information, amino acid conservation, physicochemical variation, residue mobility, and thermodynamic stability) indicates that this missense variant is not expected to disrupt GLRA1 protein function with a negative predictive value of 95%. In summary, the available evidence is currently insufficient to determine the role of this variant in disease. Therefore, it has been classified as a Variant of Uncertain Significance.

NM_000171.4(GLRA1):c.88C>A (p.Arg30Ser)

Gene: GLRA1 (glycine receptor alpha 1; minus strand). Cytogenetic location: 5q33.1.
Variant type: single nucleotide variant.
Coding change: c.88C>A on transcript NM_000171.4 (MANE Select); coding-DNA position 88, C replaced by A.
Protein change: p.Arg30Ser; replaces arginine 30 with serine.
Molecular consequence: missense variant. On other transcripts: intron variant (1).
Genome position (GRCh38, 1-based): chr5:151,892,407, G>T on the plus strand (C>A on the coding strand, the complement: GLRA1 is on the minus strand). VCF-style: chr5-151892407-G-T. GRCh37 (hg19) VCF-style: chr5-151271968-G-T.
Other names: c.88C>A, p.Arg30Ser (NM_001146040.2); c.-65-5619C>A (NM_001292000.2); short protein forms R30S.
Identifiers: ClinVar variation 573990 (VCV000573990.10), dbSNP rs369873008, ClinGen allele CA130011814.